The following is an entry in ClinVar:

NM_013450.4(BAZ2B):c.3199T>G (p.Cys1067Gly)

Gene: BAZ2B (bromodomain adjacent to zinc finger domain 2B; minus strand). Cytogenetic location: 2q24.2.
Variant type: single nucleotide variant.
Coding change: c.3199T>G on transcript NM_013450.4 (MANE Select); coding-DNA position 3199, T replaced by G.
Protein change: p.Cys1067Gly; replaces cysteine 1067 with glycine.
Molecular consequence: missense variant.
Genome position (GRCh38, 1-based): chr2:159,389,362, A>C on the plus strand (T>G on the coding strand, the complement: BAZ2B is on the minus strand). VCF-style: chr2-159389362-A-C. GRCh37 (hg19) VCF-style: chr2-160245873-A-C.
Other names: c.3091T>G, p.Cys1031Gly (NM_001289975.1); c.3037T>G, p.Cys1013Gly (NM_001329857.2); c.3124T>G, p.Cys1042Gly (NM_001329858.2); short protein forms C1013G, C1031G, C1042G, C1067G.
Identifiers: ClinVar variation 3392851 (VCV003392851.1).

ClinVar aggregate classification (germline): Uncertain significance (1 of 4 stars; one submission).

Submission:

GeneDx
Classification: Uncertain significance. Last evaluated: 2024-06-27. Review status: criteria provided, single submitter. Criteria: GeneDx Variant Classification Process June 2021. Collection method: clinical testing. Allele origin: germline. Affected: yes.
Comment: Not observed at significant frequency in large population cohorts (gnomAD); In silico analysis supports that this missense variant has a deleterious effect on protein structure/function; Has not been previously published as pathogenic or benign to our knowledge